The following is an entry in ClinVar:

NM_006514.4(SCN10A):c.2658C>T (p.Ile886=)

Gene: SCN10A (sodium voltage-gated channel alpha subunit 10; minus strand). Cytogenetic location: 3p22.2.
Variant type: single nucleotide variant.
Coding change: c.2658C>T on transcript NM_006514.4 (MANE Select); coding-DNA position 2658, C replaced by T.
Protein change: p.Ile886=; no amino-acid change (isoleucine 886 retained).
Molecular consequence: synonymous variant.
Genome position (GRCh38, 1-based): chr3:38,727,035, G>A on the plus strand (C>T on the coding strand, the complement: SCN10A is on the minus strand). VCF-style: chr3-38727035-G-A. GRCh37 (hg19) VCF-style: chr3-38768526-G-A.
Other names: c.2658C>T, p.Ile886= (NM_001293306.2); c.2364C>T, p.Ile788= (NM_001293307.2).
Identifiers: ClinVar variation 69845 (VCV000069845.5), dbSNP rs148963942, ClinGen allele CA2320462.

ClinVar aggregate classification (germline): Conflicting classifications of pathogenicity. Review status: criteria provided, conflicting classifications (1 of 4 stars). 2 submissions from 2 submitters: Uncertain significance (1); Likely benign (1). Last evaluated 2021-03-04.

Conditions:
Cardiovascular phenotype. Identifiers: MedGen CN230736.

Allele frequency attached by ClinVar (database versions not stated): ExAC 0.00001; gnomAD 0.00001; gnomAD exomes 0.00001; TOPMed 0.00002.
gnomAD v4.1: 14 of 1,611,130 alleles (0.00087%); highest among the groups gnomAD compares: South Asian, 0.0099%; no homozygotes.

Submissions (2):

Ambry Genetics
Classification: Uncertain significance for Cardiovascular phenotype. Last evaluated: 2021-03-04. Review status: criteria provided, single submitter. Criteria: Ambry Variant Classification Scheme 2023. Collection method: clinical testing. Allele origin: germline.
Comment: The c.2658C>T variant (also known as p.I886I), located in coding exon 16 of the SCN10A gene, results from a C to T substitution at nucleotide position 2658. This nucleotide substitution does not change the at codon 886. This nucleotide position is poorly conserved in available vertebrate species. In silico splice site analysis predicts that this alteration may result in the creation or strengthening of a novel splice acceptor site. Since supporting evidence is limited at this time, the clinical significance of this alteration remains unclear.

Labcorp Genetics (formerly Invitae), Labcorp
Classification: Likely benign. Last evaluated: 2018-09-07. Review status: criteria provided, single submitter. Criteria: Invitae Variant Classification Sherloc (09022015). Collection method: clinical testing. Allele origin: germline.